The following is an entry in ClinVar:

ClinVar aggregate classification (germline): Uncertain significance (1 of 4 stars; one submission).

Conditions:
Cardiomyopathy (CMYO). Also called: Cardiomyopathies. Identifiers: Orphanet 167848, MedGen C0878544, MONDO:0004994, HP:0001638. Inheritance: Various modes of inheritance.

Submission:

Color Diagnostics, LLC DBA Color Health
Classification: Uncertain significance for Cardiomyopathy. Last evaluated: 2024-03-06. Review status: criteria provided, single submitter. Criteria: ACMG Guidelines, 2015. Collection method: clinical testing. Allele origin: germline.
Comment: This missense variant replaces leucine with phenylalanine at codon 1255 of the RYR2 protein. Computational prediction is inconclusive regarding the impact of this variant on protein structure and function (internally defined REVEL score threshold 0.5 < inconclusive < 0.7, PMID: 27666373). To our knowledge, functional studies have not been reported for this variant. This variant has not been reported in individuals affected with cardiovascular disorders in the literature. This variant has not been identified in the general population by the Genome Aggregation Database (gnomAD). The available evidence is insufficient to determine the role of this variant in disease conclusively. Therefore, this variant is classified as a Variant of Uncertain Significance.

NM_001035.3(RYR2):c.3763C>T (p.Leu1255Phe)

Gene: RYR2 (ryanodine receptor 2; plus strand). Cytogenetic location: 1q43.
Variant type: single nucleotide variant.
Coding change: c.3763C>T on transcript NM_001035.3 (MANE Select); coding-DNA position 3763, C replaced by T.
Protein change: p.Leu1255Phe; replaces leucine 1255 with phenylalanine.
Molecular consequence: missense variant.
Genome position (GRCh38, 1-based): chr1:237,589,957, C>T. VCF-style: chr1-237589957-C-T. GRCh37 (hg19) VCF-style: chr1-237753257-C-T.
Other names: short protein forms L1255F.
Identifiers: ClinVar variation 1172286 (VCV001172286.3), dbSNP rs2148431317, ClinGen allele CA345396503.